The following is an entry in ClinVar:

ClinVar aggregate classification (germline): Uncertain significance (1 of 4 stars; one submission).

Conditions:
Chédiak-Higashi syndrome (CHS). Also called: Chediak-Higashi Syndrome. Identifiers: Orphanet 167, MedGen C0007965, MONDO:0008963, OMIM 214500.

Submission:

Labcorp Genetics (formerly Invitae), Labcorp
Classification: Uncertain significance for Chédiak-Higashi syndrome. Last evaluated: 2021-12-24. Review status: criteria provided, single submitter. Criteria: Invitae Variant Classification Sherloc (09022015). Collection method: clinical testing. Allele origin: germline.
Comment: This sequence change replaces alanine, which is neutral and non-polar, with valine, which is neutral and non-polar, at codon 3418 of the LYST protein (p.Ala3418Val). This variant is not present in population databases (gnomAD no frequency). This variant has not been reported in the literature in individuals affected with LYST-related conditions. Algorithms developed to predict the effect of missense changes on protein structure and function are either unavailable or do not agree on the potential impact of this missense change (SIFT: "Tolerated"; PolyPhen-2: "Probably Damaging"; Align-GVGD: "Class C0"). In summary, the available evidence is currently insufficient to determine the role of this variant in disease. Therefore, it has been classified as a Variant of Uncertain Significance.

NM_000081.4(LYST):c.10253C>T (p.Ala3418Val)

Gene: LYST (lysosomal trafficking regulator; minus strand). Cytogenetic location: 1q42.3.
Variant type: single nucleotide variant.
Coding change: c.10253C>T on transcript NM_000081.4 (MANE Select); coding-DNA position 10253, C replaced by T.
Protein change: p.Ala3418Val; replaces alanine 3418 with valine.
Molecular consequence: missense variant.
Genome position (GRCh38, 1-based): chr1:235,702,868, G>A on the plus strand (C>T on the coding strand, the complement: LYST is on the minus strand). VCF-style: chr1-235702868-G-A. GRCh37 (hg19) VCF-style: chr1-235866168-G-A.
Other names: c.10253C>T, p.Ala3418Val (NM_001301365.1); short protein forms A3418V.
Identifiers: ClinVar variation 2056441 (VCV002056441.4), dbSNP rs2527323591, ClinGen allele CA344931703.